The following is an entry in ClinVar:

ClinVar aggregate classification (germline): Conflicting classifications of pathogenicity. Review status: criteria provided, conflicting classifications (1 of 4 stars). 2 submissions from 2 submitters: Uncertain significance (1); Likely benign (1). Last evaluated 2026-01-18.

Conditions:
Hereditary cancer-predisposing syndrome. Also called: Tumor predisposition; Hereditary neoplastic syndrome; Hereditary Cancer Syndrome; Neoplastic Syndromes, Hereditary. Identifiers: Orphanet 140162, MedGen C0027672, MeSH D009386, MONDO:0015356.

Submissions (2):

Labcorp Genetics (formerly Invitae), Labcorp
Classification: Uncertain significance. Last evaluated: 2026-01-18. Review status: criteria provided, single submitter. Criteria: Invitae Variant Classification Sherloc (09022015). Collection method: clinical testing. Allele origin: germline.
Comment: This sequence change replaces leucine, which is neutral and non-polar, with phenylalanine, which is neutral and non-polar, at codon 82 of the NTHL1 protein (p.Leu82Phe). This variant is not present in population databases (gnomAD no frequency). This variant has not been reported in the literature in individuals affected with NTHL1-related conditions. ClinVar contains an entry for this variant (Variation ID: 3222664). An algorithm developed to predict the effect of missense changes on protein structure and function (PolyPhen-2) suggests that this variant is likely to be tolerated. In summary, the available evidence is currently insufficient to determine the role of this variant in disease. Therefore, it has been classified as a Variant of Uncertain Significance.

Ambry Genetics
Classification: Likely benign for Hereditary cancer-predisposing syndrome. Last evaluated: 2023-12-06. Review status: criteria provided, single submitter. Criteria: Ambry Variant Classification Scheme 2023. Collection method: clinical testing. Allele origin: germline.

NM_002528.7(NTHL1):c.220C>T (p.Leu74Phe)

Gene: NTHL1 (nth like DNA glycosylase 1; minus strand). Cytogenetic location: 16p13.3.
Variant type: single nucleotide variant.
Coding change: c.220C>T on transcript NM_002528.7 (MANE Select); coding-DNA position 220, C replaced by T.
Protein change: p.Leu74Phe; replaces leucine 74 with phenylalanine.
Molecular consequence: missense variant. On other transcripts: intron variant (1).
Genome position (GRCh38, 1-based): chr16:2,046,262, G>A on the plus strand (C>T on the coding strand, the complement: NTHL1 is on the minus strand). VCF-style: chr16-2046262-G-A. GRCh37 (hg19) VCF-style: chr16-2096263-G-A.
Other names: c.220C>T, p.Leu74Phe (NM_001318193.2); c.24+18C>T (NM_001318194.2); short protein forms L74F.
Identifiers: ClinVar variation 3222664 (VCV003222664.3), dbSNP rs2150946533, ClinGen allele CA394297422.
Genomic context (GRCh38, chr16:2,046,262, plus strand): 5'-TGGCACGGATGTTGACCAGCTGTTGCTGCCAGTCCTGGGGCTCCCAGACTGGCACCTTGA[G>A]GGGCTCAGCCCCCTCACCTTTCTCACTGTCCGAGCCCTCATAGGCCACACGCAGTCTCTG-3'
Protein context (NP_002519.2, residues 64-84): DSEKGEGAEP[Leu74Phe]KVPVWEPQDW